The following is an entry in ClinVar:

NM_014915.3(ANKRD26):c.2420C>A (p.Thr807Lys)

Gene: ANKRD26 (ankyrin repeat domain 26; minus strand). Cytogenetic location: 10p12.1.
Variant type: single nucleotide variant.
Coding change: c.2420C>A on transcript NM_014915.3 (MANE Select); coding-DNA position 2420, C replaced by A.
Protein change: p.Thr807Lys; replaces threonine 807 with lysine.
Molecular consequence: missense variant.
Genome position (GRCh38, 1-based): chr10:27,038,010, G>T on the plus strand (C>A on the coding strand, the complement: ANKRD26 is on the minus strand). VCF-style: chr10-27038010-G-T. GRCh37 (hg19) VCF-style: chr10-27326939-G-T.
Other names: c.2417C>A, p.Thr806Lys (NM_001256053.2); short protein forms T806K, T807K.
Identifiers: ClinVar variation 4859122 (VCV004859122.1).

ClinVar aggregate classification (germline): Uncertain significance (1 of 4 stars; one submission).

Conditions:
Inborn genetic diseases. Identifiers: MedGen C0950123, MeSH D030342.

gnomAD v4.1: 2 of 1,611,474 alleles (0.00012%); highest among the groups gnomAD compares: Non-Finnish European, 0.000085%; no homozygotes.

Submission:

Ambry Genetics
Classification: Uncertain significance for Inborn genetic diseases. Last evaluated: 2026-03-24. Review status: criteria provided, single submitter. Criteria: Ambry Variant Classification Scheme 2023. Collection method: clinical testing. Allele origin: germline.
Comment: The p.T807K variant (also known as c.2420C>A), located in coding exon 22 of the ANKRD26 gene, results from a C to A substitution at nucleotide position 2420. The threonine at codon 807 is replaced by lysine, an amino acid with similar properties. This amino acid position is conserved. In addition, this alteration is predicted to be tolerated by in silico analysis. Based on the available evidence, the clinical significance of this variant remains unclear.